The following is an entry in ClinVar:

NM_000535.7(PMS2):c.1247C>A (p.Ser416Tyr)

Gene: PMS2 (PMS1 homolog 2, mismatch repair system component; minus strand). Cytogenetic location: 7p22.1.
Variant type: single nucleotide variant.
Coding change: c.1247C>A on transcript NM_000535.7 (MANE Select); coding-DNA position 1247, C replaced by A.
Protein change: p.Ser416Tyr; replaces serine 416 with tyrosine.
Molecular consequence: missense variant. On other transcripts: non-coding transcript variant (1).
Genome position (GRCh38, 1-based): chr7:5,987,518, G>T on the plus strand (C>A on the coding strand, the complement: PMS2 is on the minus strand). VCF-style: chr7-5987518-G-T. GRCh37 (hg19) VCF-style: chr7-6027149-G-T.
Other names: c.842C>A, p.Ser281Tyr (NM_001322003.2, NM_001322004.2, NM_001322005.2 and 1 more transcripts); c.1091C>A, p.Ser364Tyr (NM_001322006.2); c.929C>A, p.Ser310Tyr (NM_001322007.2, NM_001322008.2); c.686C>A, p.Ser229Tyr (NM_001322010.2); c.314C>A, p.Ser105Tyr (NM_001322011.2, NM_001322012.2); c.674C>A, p.Ser225Tyr (NM_001322013.2); c.1247C>A, p.Ser416Tyr (NM_001322014.2); c.938C>A, p.Ser313Tyr (NM_001322015.2); short protein forms S105Y, S225Y, S229Y, S281Y, S310Y, S313Y, S364Y, S416Y.
Identifiers: ClinVar variation 1011138 (VCV001011138.9), dbSNP rs1554297981, ClinGen allele CA366742484.

ClinVar aggregate classification (germline): Uncertain significance (1 of 4 stars; one submission).

Conditions:
Hereditary nonpolyposis colorectal neoplasms. Identifiers: MedGen C0009405, MeSH D003123.

Submission:

Labcorp Genetics (formerly Invitae), Labcorp
Classification: Uncertain significance for Hereditary nonpolyposis colorectal neoplasms. Last evaluated: 2021-04-21. Review status: criteria provided, single submitter. Criteria: Invitae Variant Classification Sherloc (09022015). Collection method: clinical testing. Allele origin: germline.
Comment: In summary, the available evidence is currently insufficient to determine the role of this variant in disease. Therefore, it has been classified as a Variant of Uncertain Significance. Algorithms developed to predict the effect of missense changes on protein structure and function are either unavailable or do not agree on the potential impact of this missense change (SIFT: "Deleterious"; PolyPhen-2: "Possibly Damaging"; Align-GVGD: "Class C0"). This variant has not been reported in the literature in individuals with PMS2-related conditions. This variant is not present in population databases (ExAC no frequency). This sequence change replaces serine with tyrosine at codon 416 of the PMS2 protein (p.Ser416Tyr). The serine residue is weakly conserved and there is a large physicochemical difference between serine and tyrosine.